The following is an entry in ClinVar:

NM_025103.4(IFT74):c.534T>C (p.Ala178=)

Gene: IFT74 (intraflagellar transport 74; plus strand). Cytogenetic location: 9p21.2.
Variant type: single nucleotide variant.
Coding change: c.534T>C on transcript NM_025103.4 (MANE Select); coding-DNA position 534, T replaced by C.
Protein change: p.Ala178=; no amino-acid change (alanine 178 retained).
Molecular consequence: synonymous variant.
Genome position (GRCh38, 1-based): chr9:26,990,142, T>C. VCF-style: chr9-26990142-T-C. GRCh37 (hg19) VCF-style: chr9-26990140-T-C.
Other names: c.534T>C, p.Ala178= (NM_001099222.3, NM_001099223.3, NM_001099224.3 and 1 more transcripts); c.534T>C (NM_025103.2).
Identifiers: ClinVar variation 2069345 (VCV002069345.5), dbSNP rs758931013, ClinGen allele CA5015008.

ClinVar aggregate classification (germline): Likely benign. Review status: criteria provided, single submitter (1 of 4 stars). 2 submissions from 2 submitters: Likely benign (1). 1 of the submissions does not count toward it. Last evaluated 2025-08-14.

Conditions:
IFT74-related disorder. Also called: IFT74-Related Disorders; IFT74-related condition.

Allele frequency attached by ClinVar (database versions not stated): ExAC 0.00001; gnomAD 0.00001; TOPMed 0.00001; gnomAD exomes 0.00004.
gnomAD v4.1: 58 of 1,502,076 alleles (0.0039%); highest among the groups gnomAD compares: Non-Finnish European, 0.0049%; no homozygotes.

Submissions (2):

Labcorp Genetics (formerly Invitae), Labcorp
Classification: Likely benign. Last evaluated: 2025-08-14. Review status: criteria provided, single submitter. Criteria: Invitae Variant Classification Sherloc (09022015). Collection method: clinical testing. Allele origin: germline.

PreventionGenetics, part of Exact Sciences
Classification: Likely benign for IFT74-related condition. Last evaluated: 2021-02-05. Review status: no assertion criteria provided. Collection method: clinical testing. Allele origin: germline. Not counted in ClinVar's aggregate classification.
Comment: This variant is classified as likely benign based on ACMG/AMP sequence variant interpretation guidelines (Richards et al. 2015 PMID: 25741868, with internal and published modifications).